The following is an entry in ClinVar:

ClinVar aggregate classification (germline): Likely benign (1 of 4 stars; one submission).

Conditions:
Amyotrophic lateral sclerosis type 9 (ALS9). Identifiers: Orphanet 803, MedGen C2678468, MONDO:0012753, OMIM 611895.

Allele frequency attached by ClinVar (database versions not stated): TOPMed 0.00033; 1000 Genomes Project 30x 0.00094; gnomAD 0.00034 and 0.00033; 1000 Genomes Project 0.00100.

Submission:

Illumina Laboratory Services, Illumina
Classification: Likely benign for Amyotrophic lateral sclerosis type 9. Last evaluated: 2018-01-12. Review status: criteria provided, single submitter. Criteria: ICSL Variant Classification Criteria 13 December 2019. Collection method: clinical testing. Allele origin: germline.
Comment: This variant was observed in the ICSL laboratory as part of a predisposition screen in an ostensibly healthy population. It had not been previously curated by ICSL or reported in the Human Gene Mutation Database (HGMD: prior to June 1st, 2018), and was therefore a candidate for classification through an automated scoring system. Utilizing variant allele frequency, disease prevalence and penetrance estimates, and inheritance mode, an automated score was calculated to assess if this variant is too frequent to cause the disease. Based on the score and internal cut-off values, a variant classified as likely benign is not then subjected to further curation. The score for this variant resulted in a classification of likely benign for this disease.

NM_001145.4(ANG):c.-19+11A>C

Genes: ANG (angiogenin; plus strand), RNASE4 (ribonuclease A family member 4; plus strand), LOC130055270 (ATAC-STARR-seq lymphoblastoid active region 8093; plus strand). Cytogenetic location: 14q11.2.
Variant type: single nucleotide variant.
Coding change: c.-19+11A>C on transcript NM_001145.4; 11 bases into the intron after 19 bases upstream of the start codon, A replaced by C.
Molecular consequence: intron variant.
Genome position (GRCh38, 1-based): chr14:20,684,769, A>C. VCF-style: chr14-20684769-A-C. GRCh37 (hg19) VCF-style: chr14-21152928-A-C.
Other names: c.-143+11A>C (NM_001385271.1); c.-19+73A>C (NM_001385273.1); c.-122+11A>C (NM_001282192.2); c.-18+11A>C (NM_002937.5); c.-18+73A>C (NM_001282193.2).
Identifiers: ClinVar variation 312772 (VCV000312772.7), dbSNP rs184963428, ClinGen allele CA10639913.
Genomic context (GRCh38, chr14:20,684,769, plus strand): 5'-ACTTCTTTCCATTGTCCTGCCCGTTTCTGCGGACTTGTTCTGAGGCCGAGGTAGGTTCAC[A>C]CTCCTGCTCCTCCTCCTCCTCTCTGGTAGCTTCATAAGGGGCGTTTAGGCCGGGGAGTCC-3'